The following is an entry in ClinVar:

NC_000017.10:g.(?_57697493)_(57771213_?)dup

Gene: CLTC (clathrin heavy chain; plus strand). Cytogenetic location: 17q23.1.
Variant type: Duplication.
Identifiers: ClinVar variation 2424118 (VCV002424118.3).

ClinVar aggregate classification (germline): Uncertain significance (1 of 4 stars; one submission).

Submission:

Labcorp Genetics (formerly Invitae), Labcorp
Classification: Uncertain significance. Last evaluated: 2022-05-16. Review status: criteria provided, single submitter. Criteria: Invitae Variant Classification Sherloc (09022015). Collection method: clinical testing. Allele origin: germline.
Comment: A copy number gain of the genomic region encompassing the full coding sequence of the CLTC gene has been identified. The boundaries of this event are unknown as they extend beyond the assayed region for this gene and therefore may encompass additional genes. As the precise location of this event is unknown, it may be in tandem or it may be located elsewhere in the genome. This variant has not been reported in the literature in individuals affected with CLTC-related conditions. In summary, the available evidence is currently insufficient to determine the role of this variant in disease. Therefore, it has been classified as a Variant of Uncertain Significance.